The following is an entry in ClinVar:

NM_018129.4(PNPO):c.*1580G>A

Gene: PNPO (pyridoxamine 5'-phosphate oxidase; plus strand). Cytogenetic location: 17q21.32.
Variant type: single nucleotide variant.
Coding change: c.*1580G>A on transcript NM_018129.4 (MANE Select); 1580 bases downstream of the stop codon, G replaced by A.
Molecular consequence: 3 prime UTR variant.
Genome position (GRCh38, 1-based): chr17:47,948,362, G>A. VCF-style: chr17-47948362-G-A. GRCh37 (hg19) VCF-style: chr17-46025728-G-A.
Identifiers: ClinVar variation 323934 (VCV000323934.5), dbSNP rs143175555, ClinGen allele CA10639997.

ClinVar aggregate classification (germline): Benign (1 of 4 stars; one submission).

Conditions:
Pyridoxal phosphate-responsive seizures (PNPOD). Also called: Pyridoxal 5'-Phosphate (PLP)-Dependent Epilepsy; EPILEPTIC ENCEPHALOPATHY, NEONATAL, PNPO-RELATED; Pyridoxamine 5-Prime-Phosphate Oxidase Deficiency; Pyridoxine-5'-phosphate oxidase deficiency; SEIZURES, PYRIDOXINE-RESISTANT, PLP-SENSITIVE. Identifiers: Orphanet 79096, MedGen C1864723, MONDO:0012407, OMIM 610090. Disease mechanism: loss of function.

Allele frequency attached by ClinVar (database versions not stated): 1000 Genomes Project 0.00599; 1000 Genomes Project 30x 0.00640; gnomAD 0.00790 and 0.00856; TOPMed 0.00982.

Submission:

Illumina Laboratory Services, Illumina
Classification: Benign for Pyridoxal phosphate-responsive seizures. Last evaluated: 2018-01-13. Review status: criteria provided, single submitter. Criteria: ICSL Variant Classification Criteria 13 December 2019. Collection method: clinical testing. Allele origin: germline.
Comment: This variant was observed in the ICSL laboratory as part of a predisposition screen in an ostensibly healthy population. It had not been previously curated by ICSL or reported in the Human Gene Mutation Database (HGMD: prior to June 1st, 2018), and was therefore a candidate for classification through an automated scoring system. Utilizing variant allele frequency, disease prevalence and penetrance estimates, and inheritance mode, an automated score was calculated to assess if this variant is too frequent to cause the disease. Based on the score and internal cut-off values, a variant classified as benign is not then subjected to further curation. The score for this variant resulted in a classification of benign for this disease.